The following is an entry in ClinVar:

ClinVar aggregate classification (germline): Likely benign. Review status: criteria provided, multiple submitters, no conflicts (2 of 4 stars). 3 submissions from 3 submitters: Likely benign (3). Last evaluated 2025-10-01.

Allele frequency attached by ClinVar (database versions not stated): 1000 Genomes Project 30x 0.00016; ESP Exome Variant Server 0.00016; TOPMed 0.00033.
gnomAD v4.1: 620 of 1,612,624 alleles (0.038%); highest among the groups gnomAD compares: Non-Finnish European, 0.051%; no homozygotes.

Submissions (3):

CeGaT Center for Human Genetics Tuebingen
Classification: Likely benign. Last evaluated: 2025-10-01. Review status: criteria provided, single submitter. Criteria: CeGaT Center For Human Genetics Tuebingen Variant Classification Criteria Version 2. Collection method: clinical testing. Allele origin: germline. Affected: yes. Observed: 4 variant alleles.
Comment: PUF60: BP4, BP7

Blueprint Genetics
Classification: Likely benign. Last evaluated: 2024-08-28. Review status: criteria provided, single submitter. Criteria: ACMG Guidelines, 2015. Collection method: clinical testing. Allele origin: germline.

Labcorp Genetics (formerly Invitae), Labcorp
Classification: Likely benign. Last evaluated: 2019-12-31. Review status: criteria provided, single submitter. Criteria: Invitae Variant Classification Sherloc (09022015). Collection method: clinical testing. Allele origin: germline.

NM_078480.3(PUF60):c.66G>T (p.Ala22=)

Gene: PUF60 (poly(U) binding splicing factor 60; minus strand). Cytogenetic location: 8q24.3.
Variant type: single nucleotide variant.
Coding change: c.66G>T on transcript NM_078480.3 (MANE Select); coding-DNA position 66, G replaced by T.
Protein change: p.Ala22=; no amino-acid change (alanine 22 retained).
Molecular consequence: synonymous variant. On other transcripts: 5 prime UTR variant (2), genic upstream transcript variant (2).
Genome position (GRCh38, 1-based): chr8:143,824,358, C>A on the plus strand (G>T on the coding strand, the complement: PUF60 is on the minus strand). VCF-style: chr8-143824358-C-A. GRCh37 (hg19) VCF-style: chr8-144906528-C-A.
Other names: c.-64G>T (NM_001136033.3, NM_001271100.2); c.63G>T, p.Ala21= (NM_001271096.2, NM_001271098.2); c.177G>T, p.Ala59= (NM_001362895.2, NM_001362896.2, NM_001362897.2); c.66G>T, p.Ala22= (NM_014281.5); c.25-2445G>T (NM_001271097.2, NM_001271099.2).
Identifiers: ClinVar variation 745631 (VCV000745631.29), dbSNP rs375142105, ClinGen allele CA187593261.